The following is an entry in ClinVar:

ClinVar aggregate classification (germline): Likely benign (1 of 4 stars; one submission).

Submission:

Mayo Clinic Laboratories, Mayo Clinic
Classification: Likely benign. Last evaluated: 2025-09-22. Review status: criteria provided, single submitter. Criteria: ACMG Guidelines, 2015. Collection method: clinical testing. Allele origin: germline. Observed: 11 variant alleles.
Comment: BS2, BP4_moderate

Literature cited by the submitters: PubMed 34382491; PubMed 35734438; PubMed 35861376; PubMed 39256877.

NM_198241.3(EIF4G1):c.37G>C (p.Ala13Pro)

Gene: EIF4G1 (eukaryotic translation initiation factor 4 gamma 1; plus strand). Cytogenetic location: 3q27.1.
Variant type: single nucleotide variant.
Coding change: c.37G>C on transcript NM_198241.3 (MANE Select); coding-DNA position 37, G replaced by C.
Protein change: p.Ala13Pro; replaces alanine 13 with proline.
Molecular consequence: missense variant. On other transcripts: 5 prime UTR variant (1), intron variant (2).
Genome position (GRCh38, 1-based): chr3:184,315,833, G>C. VCF-style: chr3-184315833-G-C. GRCh37 (hg19) VCF-style: chr3-184033621-G-C.
Other names: p.Ala13Pro; c.37G>C, p.Ala13Pro (NM_001194946.2, NM_001194947.2, NM_182917.4); c.-144G>C (NM_001291157.2); c.-115+1159G>C (NM_198244.3); c.-169+1159G>C (NM_198242.3); short protein forms A13P.
Identifiers: ClinVar variation 4684744 (VCV004684744.1).
Genomic context (GRCh38, chr3:184,315,833, plus strand): 5'-GACCCTGATGTGGCACCAAATGAAATGAACAAAGCTCCACAGTCCACAGGCCCCCCACCC[G>C]CCCCATCCCCCGGACTCCCACAGGTAATTAGGGAGGAATTAGCAGGGGTGGGGGTGGGGG-3'
Protein context (NP_937884.2, residues 3-23): KAPQSTGPPP[Ala13Pro]PSPGLPQPAF